The following is an entry in ClinVar:

NM_030665.4(RAI1):c.1362C>T (p.Leu454=)

Gene: RAI1 (retinoic acid induced 1; plus strand). Cytogenetic location: 17p11.2.
Variant type: single nucleotide variant.
Coding change: c.1362C>T on transcript NM_030665.4 (MANE Select); coding-DNA position 1362, C replaced by T.
Protein change: p.Leu454=; no amino-acid change (leucine 454 retained).
Molecular consequence: synonymous variant.
Genome position (GRCh38, 1-based): chr17:17,794,310, C>T. VCF-style: chr17-17794310-C-T. GRCh37 (hg19) VCF-style: chr17-17697624-C-T.
Identifiers: ClinVar variation 4986415 (VCV004986415.1).
Genomic context (GRCh38, chr17:17,794,310, plus strand): 5'-CCTCACGGCGCTGACCTCACAGGTGGAGAACATCTCCAACACCGTCCAGCAGCTGCTGCT[C>T]TCCAAGGCTGCTGTGCCGCAGAAGAAAGGTGTCAAGAACCTCGTGTCCAGGACCCCAGAG-3'
Protein context (NP_109590.3, residues 444-464): NISNTVQQLL[Leu454=]SKAAVPQKKG

ClinVar aggregate classification (germline): Likely benign (1 of 4 stars; one submission).

Conditions:
RAI1-related disorder. Also called: RAI1-related condition.

gnomAD v4.1: 7 of 1,613,126 alleles (0.00043%); highest among the groups gnomAD compares: African/African-American, 0.0093%; no homozygotes.

Submission:

PreventionGenetics, part of Exact Sciences
Classification: Likely benign for RAI1-related condition. Last evaluated: 2025-08-23. Review status: criteria provided, single submitter. Criteria: ACMG Guidelines, 2015. Collection method: clinical testing. Allele origin: germline.
Comment: This variant is classified as likely benign based on ACMG/AMP sequence variant interpretation guidelines (Richards et al. 2015 PMID: 25741868, with internal and published modifications).